The following is an entry in ClinVar:

NM_000535.7(PMS2):c.208G>T (p.Asp70Tyr)

Gene: PMS2 (PMS1 homolog 2, mismatch repair system component; minus strand). Cytogenetic location: 7p22.1.
Variant type: single nucleotide variant.
Coding change: c.208G>T on transcript NM_000535.7 (MANE Select); coding-DNA position 208, G replaced by T.
Protein change: p.Asp70Tyr; replaces aspartic acid 70 with tyrosine.
Molecular consequence: missense variant. On other transcripts: 5 prime UTR variant (11), non-coding transcript variant (1).
Genome position (GRCh38, 1-based): chr7:6,004,014, C>A on the plus strand (G>T on the coding strand, the complement: PMS2 is on the minus strand). VCF-style: chr7-6004014-C-A. GRCh37 (hg19) VCF-style: chr7-6043645-C-A.
Other names: c.-198G>T (NM_001322003.2, NM_001322004.2, NM_001322005.2 and 14 more transcripts); c.208G>T, p.Asp70Tyr (NM_001322006.2, NM_001322014.2, NM_001406868.1 and 10 more transcripts); c.-8G>T (NM_001322007.2, NM_001322008.2, NM_001406876.1 and 4 more transcripts); c.-677G>T (NM_001322011.2, NM_001322012.2); c.-277G>T (NM_001322015.2, NM_001406875.1, NM_001406877.1 and 3 more transcripts); c.394G>T, p.Asp132Tyr (NM_001406866.1); c.-224G>T (NM_001406880.1); c.-174G>T (NM_001406881.1, NM_001406900.1); and 2 more; short protein forms D132Y, D70Y.
Identifiers: ClinVar variation 1785722 (VCV001785722.2), dbSNP rs2128830025, ClinGen allele CA366744848.

ClinVar aggregate classification (germline): Uncertain significance (1 of 4 stars; one submission).

Conditions:
Hereditary cancer-predisposing syndrome. Also called: Neoplastic Syndromes, Hereditary; Tumor predisposition; Hereditary Cancer Syndrome; Hereditary neoplastic syndrome. Identifiers: Orphanet 140162, MedGen C0027672, MeSH D009386, MONDO:0015356.

Submission:

Ambry Genetics
Classification: Uncertain significance for Hereditary cancer-predisposing syndrome. Last evaluated: 2019-05-17. Review status: criteria provided, single submitter. Criteria: Ambry Variant Classification Scheme 2023. Collection method: clinical testing. Allele origin: germline.
Comment: The p.D70Y variant (also known as c.208G>T), located in coding exon 3 of the PMS2 gene, results from a G to T substitution at nucleotide position 208. The aspartic acid at codon 70 is replaced by tyrosine, an amino acid with highly dissimilar properties. This amino acid position is highly conserved in available vertebrate species. In addition, this alteration is predicted to be deleterious by in silico analysis. Since supporting evidence is limited at this time, the clinical significance of this alteration remains unclear.